The following is an entry in ClinVar:

ClinVar aggregate classification (germline): Uncertain significance (1 of 4 stars; one submission).

Conditions:
ALG6-congenital disorder of glycosylation 1C (CDG1C). Also called: Congenital disorder of glycosylation, type Ic; CARBOHYDRATE-DEFICIENT GLYCOPROTEIN SYNDROME, TYPE I, WITH DEFICIENT GLYCOSYLATION OF DOLICHOL-LINKED OLIGOSACCHARIDE; CARBOHYDRATE-DEFICIENT GLYCOPROTEIN SYNDROME, TYPE V; Congenital disorder of glycosylation type 1C; CDG Ic. Identifiers: Orphanet 79320, MedGen C2930997, MONDO:0011291, OMIM 603147.

Submission:

Labcorp Genetics (formerly Invitae), Labcorp
Classification: Uncertain significance for ALG6-congenital disorder of glycosylation 1C. Last evaluated: 2021-05-04. Review status: criteria provided, single submitter. Criteria: Invitae Variant Classification Sherloc (09022015). Collection method: clinical testing. Allele origin: germline.
Comment: In summary, the available evidence is currently insufficient to determine the role of this variant in disease. Therefore, it has been classified as a Variant of Uncertain Significance. Algorithms developed to predict the effect of missense changes on protein structure and function output the following: SIFT: "Tolerated"; PolyPhen-2: "Benign"; Align-GVGD: "Class C0". The serine amino acid residue is found in multiple mammalian species, suggesting that this missense change does not adversely affect protein function. These predictions have not been confirmed by published functional studies and their clinical significance is uncertain. This variant has not been reported in the literature in individuals with ALG6-related conditions. This variant is not present in population databases (ExAC no frequency). This sequence change replaces alanine with serine at codon 207 of the ALG6 protein (p.Ala207Ser). The alanine residue is weakly conserved and there is a moderate physicochemical difference between alanine and serine.

NM_013339.4(ALG6):c.619G>T (p.Ala207Ser)

Gene: ALG6 (ALG6 alpha-1,3-glucosyltransferase; plus strand). Cytogenetic location: 1p31.3.
Variant type: single nucleotide variant.
Coding change: c.619G>T on transcript NM_013339.4 (MANE Select); coding-DNA position 619, G replaced by T.
Protein change: p.Ala207Ser; replaces alanine 207 with serine.
Molecular consequence: missense variant.
Genome position (GRCh38, 1-based): chr1:63,411,270, G>T. VCF-style: chr1-63411270-G-T. GRCh37 (hg19) VCF-style: chr1-63876941-G-T.
Other names: short protein forms A207S.
Identifiers: ClinVar variation 1475089 (VCV001475089.8), dbSNP rs756038267, ClinGen allele CA340635111.